The following is an entry in ClinVar:

ClinVar aggregate classification (germline): Pathogenic/Likely pathogenic. Review status: criteria provided, multiple submitters, no conflicts (2 of 4 stars). 8 submissions from 8 submitters: Pathogenic (4); Likely pathogenic (4). Last evaluated 2026-01-31.

Conditions:
Cardiovascular phenotype. Identifiers: MedGen CN230736.
Catecholaminergic polymorphic ventricular tachycardia 1. Also called: VENTRICULAR TACHYCARDIA, STRESS-INDUCED POLYMORPHIC 1; VENTRICULAR TACHYCARDIA, CATECHOLAMINERGIC POLYMORPHIC, 1, WITH OR WITHOUT ATRIAL DYSFUNCTION AND/OR DILATED CARDIOMYOPATHY; RYR2-Related Catecholaminergic Polymorphic Ventricular Tachycardia. Identifiers: Orphanet 3286, MedGen C1631597, MONDO:0011484, OMIM 604772.
Catecholaminergic polymorphic ventricular tachycardia 2. Also called: VENTRICULAR TACHYCARDIA, STRESS-INDUCED POLYMORPHIC 2; CASQ2-Related Catecholaminergic Polymorphic Ventricular Tachycardia. Identifiers: Orphanet 3286, MedGen C2677794, MONDO:0012762, OMIM 611938.
CASQ2-related disorder. Also called: CASQ2-related condition.
Catecholaminergic polymorphic ventricular tachycardia (CVPT). Also called: Catecholamine-induced polymorphic ventricular tachycardia. Identifiers: Orphanet 3286, MedGen C5574922, MONDO:0017990.

Allele frequency attached by ClinVar (database versions not stated): TOPMed 0.00002; gnomAD 0.00001.
gnomAD v4.1: 48 of 1,601,778 alleles (0.003%); highest among the groups gnomAD compares: Non-Finnish European, 0.004%; no homozygotes.

Submissions (8):

Labcorp Genetics (formerly Invitae), Labcorp
Classification: Likely pathogenic for Catecholaminergic polymorphic ventricular tachycardia 1. Last evaluated: 2026-01-31. Review status: criteria provided, single submitter. Criteria: Invitae Variant Classification Sherloc (09022015). Collection method: clinical testing. Allele origin: germline.
Comment: This sequence change affects a donor splice site in intron 9 of the CASQ2 gene. It is expected to disrupt RNA splicing. Variants that disrupt the donor or acceptor splice site typically lead to a loss of protein function (PMID: 16199547), and loss-of-function variants in CASQ2 are known to be pathogenic (PMID: 12386154). This variant is present in population databases (no rsID available, gnomAD 0.007%). This variant has not been reported in the literature in individuals affected with CASQ2-related conditions. ClinVar contains an entry for this variant (Variation ID: 519365). Algorithms developed to predict the effect of sequence changes on RNA splicing suggest that this variant may disrupt the consensus splice site. In summary, the currently available evidence indicates that the variant is pathogenic, but additional data are needed to prove that conclusively. Therefore, this variant has been classified as Likely Pathogenic.

Victorian Clinical Genetics Services, Murdoch Childrens Research Institute
Classification: Pathogenic for Catecholaminergic polymorphic ventricular tachycardia. Last evaluated: 2024-10-09. Review status: criteria provided, single submitter. Criteria: ACMG Guidelines, 2015. Collection method: clinical testing. Allele origin: germline. Affected: yes.
Comment: Based on the classification scheme VCGS_Germline_v1.3.4, this variant is classified as Pathogenic. Following criteria are met: 0102 - Loss of function is a known mechanism of disease in this gene and is associated with catecholaminergic polymorphic ventricular tachycardia 2 (CPVT2; MIM#611938). (I) 0108 - This gene is associated with both recessive and dominant disease. There is definitive evidence for autosomal recessive CPVT and moderate evidence for autosomal dominant CPVT (ClinGen). (I) 0112 - The condition associated with this gene has incomplete penetrance. Among CASQ2 homozygotes and compound heterozygotes, clinical penetrance was 97.1%, while 33.3% of CASQ2 heterozygous family members met diagnostic criteria for CPVT (PMID: 32693635). (I) 0211 - Canonical splice site variant without proven consequence on splicing (no functional evidence available). (SP) 0251 - This variant is heterozygous. (I) 0304 - Variant is present in gnomAD (v4) <0.01 for a recessive condition (48 heterozygotes, 0 homozygotes). (SP) 0311 - An alternative nucleotide change at the same canonical splice site is present in gnomAD (v4) (6 heterozygotes, 0 homozygotes). (I) 0505 - Abnormal splicing is predicted by in silico tools and affected nucleotide is highly conserved. (SP) 0703 - Other splice site variants comparable to the one identified in this case have moderate previous evidence for pathogenicity. c.939+5G>C has been identified in a compound heterozygous individual with CPVT2 and a minigene assay showed it results in exon 9 skipping (LOVD, PMID: 21618644). c.939+5G>C is also reported twice as likely pathogenic and once as pathogenic in ClinVar. c.939+1G>A has also been reported as likely pathogenic (ClinVar). (SP) 0802 - This variant has moderate previous evidence of pathogenicity in unrelated individuals. This variant has been reported as pathogenic or likely pathogenic by diagnostic laboratories (ClinVar). (SP) 0905 - No published segregation evidence has been identified for this variant. (I) 1007 - No published functional evidence has been identified for this variant. (I) 1208 - Inheritance information for this variant is not currently available in this individual. (I) Legend: (SP) - Supporting pathogenic, (I) - Information, (SB) - Supporting benign

Ambry Genetics
Classification: Pathogenic for Cardiovascular phenotype. Last evaluated: 2024-01-09. Review status: criteria provided, single submitter. Criteria: Ambry Variant Classification Scheme 2023. Collection method: clinical testing. Allele origin: germline.
Comment: The c.939+1G>T intronic pathogenic mutation results from a G to T substitution one nucleotide after coding exon 9 of the CASQ2 gene. This alteration occurs at the 3' terminus of the CASQ2 gene, may not trigger nonsense-mediated mRNA decay, and impacts the last 30% of the protein. The exact functional effect of this alteration is unknown; however, the impacted region is critical for protein function (Ambry internal data). In addition, another alteration impacting the same donor site (c.939+5G>C) has been reported to cause aberrant splicing in a minigene assay (Roux-Buisson N et al. Hum. Mut. 2011:32(9):995-9). This variant is considered to be rare based on population cohorts in the Genome Aggregation Database (gnomAD). This nucleotide position is highly conserved in available vertebrate species. In silico splice site analysis predicts that this alteration will weaken the native splice donor site. Based on the supporting evidence, this alteration is interpreted as a disease-causing mutation.

Genome-Nilou Lab
Classification: Likely pathogenic for Catecholaminergic polymorphic ventricular tachycardia 2. Last evaluated: 2023-04-11. Review status: criteria provided, single submitter. Criteria: ACMG Guidelines, 2015. Collection method: clinical testing. Allele origin: germline. Affected: no.

AiLife Diagnostics
Classification: Pathogenic. Last evaluated: 2022-02-10. Review status: criteria provided, single submitter. Criteria: ACMG Guidelines, 2015. Collection method: clinical testing. Allele origin: germline. Affected: yes. Observed: 1 variant allele.

Fulgent Genetics
Classification: Likely pathogenic for Catecholaminergic polymorphic ventricular tachycardia 1; Catecholaminergic polymorphic ventricular tachycardia 2. Last evaluated: 2021-09-07. Review status: criteria provided, single submitter. Criteria: ACMG Guidelines, 2015. Collection method: clinical testing. Allele origin: unknown.

GeneDx
Classification: Pathogenic. Last evaluated: 2021-04-08. Review status: criteria provided, single submitter. Criteria: GeneDx Variant Classification Process June 2021. Collection method: clinical testing. Allele origin: germline. Affected: yes.
Comment: Canonical splice site variant predicted to result in a null allele in a gene for which loss-of-function is a known mechanism of disease; Reported in ClinVar as pathogenic (ClinVar Variant ID# 519365; Landrum et al., 2016); Has not been previously published as pathogenic or benign to our knowledge; Not observed at a significant frequency in large population cohorts (Lek et al., 2016)

Blueprint Genetics
Classification: Likely pathogenic for CASQ2-related disorders. Last evaluated: 2019-11-15. Review status: criteria provided, single submitter. Criteria: ACMG Guidelines, 2015. Collection method: clinical testing. Allele origin: germline. Affected: yes. Observed: 1 variant allele.

Literature cited by the submitters: PubMed 16199547 (cited by Labcorp Genetics (formerly Invitae), Labcorp); PubMed 12386154 (cited by Labcorp Genetics (formerly Invitae), Labcorp and Victorian Clinical Genetics Services, Murdoch Childrens Research Institute); PubMed 21618644 (cited by Victorian Clinical Genetics Services, Murdoch Childrens Research Institute); PubMed 27157848 (cited by Victorian Clinical Genetics Services, Murdoch Childrens Research Institute); PubMed 32693635 (cited by Victorian Clinical Genetics Services, Murdoch Childrens Research Institute).

NM_001232.4(CASQ2):c.939+1G>T

Gene: CASQ2 (calsequestrin 2; minus strand). Cytogenetic location: 1p13.1.
Variant type: single nucleotide variant.
Coding change: c.939+1G>T on transcript NM_001232.4 (MANE Select); the canonical splice donor site of the intron after coding-DNA position 939, G replaced by T.
Molecular consequence: splice donor variant.
Genome position (GRCh38, 1-based): chr1:115,705,191, C>A on the plus strand (G>T on the coding strand, the complement: CASQ2 is on the minus strand). VCF-style: chr1-115705191-C-A. GRCh37 (hg19) VCF-style: chr1-116247812-C-A.
Identifiers: ClinVar variation 519365 (VCV000519365.21), dbSNP rs905985075, ClinGen allele CA29614531.
Genomic context (GRCh38, chr1:115,705,191, plus strand): 5'-TGAACGCAATCATGAGGTTGTGACAGCAACTGAGGGTGGGGCGCTGGCTGGAGCCACTCA[C>A]CAGAGGAAAGTCGTCCGGGTCGATCCACAGGATGCTCAGATCGGGGTTGTCAGTATTGTC-3'